The following is an entry in ClinVar:

ClinVar aggregate classification (germline): Likely benign. Review status: criteria provided, multiple submitters, no conflicts (2 of 4 stars). 4 submissions from 4 submitters: Likely benign (3). 1 of the submissions does not count toward it. Last evaluated 2026-01-19.

Conditions:
DLC1-related disorder. Also called: DLC1-related condition.

Allele frequency attached by ClinVar (database versions not stated): 1000 Genomes Project 30x 0.00156; 1000 Genomes Project 0.00160; gnomAD 0.00385; TOPMed 0.00426; ESP Exome Variant Server 0.00461.
gnomAD v4.1: 9,244 of 1,613,932 alleles (0.57%); highest among the groups gnomAD compares: Non-Finnish European, 0.71%; 32 homozygotes.

Submissions (4):

Labcorp Genetics (formerly Invitae), Labcorp
Classification: Likely benign. Last evaluated: 2026-01-19. Review status: criteria provided, single submitter. Criteria: Invitae Variant Classification Sherloc (09022015). Collection method: clinical testing. Allele origin: germline.

CeGaT Center for Human Genetics Tuebingen
Classification: Likely benign. Last evaluated: 2025-04-01. Review status: criteria provided, single submitter. Criteria: CeGaT Center For Human Genetics Tuebingen Variant Classification Criteria Version 2. Collection method: clinical testing. Allele origin: germline. Affected: yes. Observed: 7 variant alleles.
Comment: DLC1: BP4, BS2

Breakthrough Genomics
Classification: Likely benign. Review status: criteria provided, single submitter. Criteria: ACMG Guidelines, 2015. Collection method: not provided. Allele origin: germline. Inheritance: Autosomal dominant inheritance. Affected: yes.

PreventionGenetics, part of Exact Sciences
Classification: Likely benign for DLC1-related condition. Last evaluated: 2019-09-10. Review status: no assertion criteria provided. Collection method: clinical testing. Allele origin: germline. Not counted in ClinVar's aggregate classification.
Comment: This variant is classified as likely benign based on ACMG/AMP sequence variant interpretation guidelines (Richards et al. 2015 PMID: 25741868, with internal and published modifications).

NM_182643.3(DLC1):c.721C>G (p.Pro241Ala)

Gene: DLC1 (DLC1 Rho GTPase activating protein; minus strand). Cytogenetic location: 8p22.
Variant type: single nucleotide variant.
Coding change: c.721C>G on transcript NM_182643.3 (MANE Select); coding-DNA position 721, C replaced by G.
Protein change: p.Pro241Ala; replaces proline 241 with alanine.
Molecular consequence: missense variant. On other transcripts: 5 prime UTR variant (1).
Genome position (GRCh38, 1-based): chr8:13,499,351, G>C on the plus strand (C>G on the coding strand, the complement: DLC1 is on the minus strand). VCF-style: chr8-13499351-G-C. GRCh37 (hg19) VCF-style: chr8-13356860-G-C.
Other names: c.721C>G, p.Pro241Ala (NM_001348081.2, NM_024767.5); c.-731C>G (NM_001348082.2); short protein forms P241A.
Identifiers: ClinVar variation 783009 (VCV000783009.38), dbSNP rs61757614, ClinGen allele CA4639429.